The following is an entry in ClinVar:

NM_024675.4(PALB2):c.730A>G (p.Arg244Gly)

Gene: PALB2 (partner and localizer of BRCA2; minus strand). Cytogenetic location: 16p12.2.
Variant type: single nucleotide variant.
Coding change: c.730A>G on transcript NM_024675.4 (MANE Select); coding-DNA position 730, A replaced by G.
Protein change: p.Arg244Gly; replaces arginine 244 with glycine.
Molecular consequence: missense variant. On other transcripts: 5 prime UTR variant (8), intron variant (3).
Genome position (GRCh38, 1-based): chr16:23,635,816, T>C on the plus strand (A>G on the coding strand, the complement: PALB2 is on the minus strand). VCF-style: chr16-23635816-T-C. GRCh37 (hg19) VCF-style: chr16-23647137-T-C.
Other names: c.670A>G, p.Arg224Gly (NM_001407296.1); c.730A>G, p.Arg244Gly (NM_001407297.1, NM_001407298.1, NM_001407299.1 and 3 more transcripts); c.-156A>G (NM_001407304.1, NM_001407305.1, NM_001407306.1 and 5 more transcripts); c.48+5294A>G (NM_001407314.1); c.-105+5294A>G (NM_001407313.1, NM_001407312.1); short protein forms R244G, R224G.
Identifiers: ClinVar variation 2796077 (VCV002796077.4), dbSNP rs2142436206, ClinGen allele CA395136266.
Genomic context (GRCh38, chr16:23,635,816, plus strand): 5'-GTTCAAGGTGCTGACTACTACCGCTATCTGATAGAGTCTGTAAAGGAACTGTAGTCGCCC[T>C]GGTGAAATTAGGTCTTCTTAGGAATGTATCAACACCTTTTTCTGGTTGGGCAGTTGGTGG-3'
Protein context (NP_078951.2, residues 234-254): DTFLRRPNFT[Arg244Gly]ATTVPLQTLS

ClinVar aggregate classification (germline): Uncertain significance. Review status: criteria provided, multiple submitters, no conflicts (2 of 4 stars). 2 submissions from 2 submitters: Uncertain significance (2). Last evaluated 2025-01-23.

Conditions:
Hereditary cancer-predisposing syndrome. Also called: Hereditary Cancer Syndrome; Neoplastic Syndromes, Hereditary; Tumor predisposition; Hereditary neoplastic syndrome. Identifiers: Orphanet 140162, MedGen C0027672, MeSH D009386, MONDO:0015356.
Familial cancer of breast. Also called: BREAST CANCER, FAMILIAL; Hereditary breast cancer; hereditary breast carcinoma. Identifiers: Orphanet 227535, MedGen C0346153, MONDO:0016419, OMIM 114480. Disease mechanism: loss of function.

Submissions (2):

Ambry Genetics
Classification: Uncertain significance for Hereditary cancer-predisposing syndrome. Last evaluated: 2025-01-23. Review status: criteria provided, single submitter. Criteria: Ambry Variant Classification Scheme 2023. Collection method: clinical testing. Allele origin: germline.
Comment: The p.R244G variant (also known as c.730A>G), located in coding exon 4 of the PALB2 gene, results from an A to G substitution at nucleotide position 730. The arginine at codon 244 is replaced by glycine, an amino acid with dissimilar properties. This amino acid position is conserved. In addition, this alteration is predicted to be tolerated by in silico analysis. Based on the available evidence, the clinical significance of this variant remains unclear.

Labcorp Genetics (formerly Invitae), Labcorp
Classification: Uncertain significance for Familial cancer of breast. Last evaluated: 2023-01-10. Review status: criteria provided, single submitter. Criteria: Invitae Variant Classification Sherloc (09022015). Collection method: clinical testing. Allele origin: germline.
Comment: This variant is not present in population databases (gnomAD no frequency). This variant has not been reported in the literature in individuals affected with PALB2-related conditions. In summary, the available evidence is currently insufficient to determine the role of this variant in disease. Therefore, it has been classified as a Variant of Uncertain Significance. Algorithms developed to predict the effect of missense changes on protein structure and function (SIFT, PolyPhen-2, Align-GVGD) all suggest that this variant is likely to be tolerated. This sequence change replaces arginine, which is basic and polar, with glycine, which is neutral and non-polar, at codon 244 of the PALB2 protein (p.Arg244Gly).